The following is an entry in ClinVar:

NM_001042492.3(NF1):c.8378-9T>C

Gene: NF1 (neurofibromin 1; plus strand). Cytogenetic location: 17q11.2.
Variant type: single nucleotide variant.
Coding change: c.8378-9T>C on transcript NM_001042492.3 (MANE Select); 9 bases into the intron before coding-DNA position 8378, T replaced by C.
Molecular consequence: intron variant.
Genome position (GRCh38, 1-based): chr17:31,374,004, T>C. VCF-style: chr17-31374004-T-C. GRCh37 (hg19) VCF-style: chr17-29701022-T-C.
Other names: c.8315-9T>C (NM_000267.4).
Identifiers: ClinVar variation 515675 (VCV000515675.8), dbSNP rs1453787016, ClinGen allele CA625698039.

ClinVar aggregate classification (germline): Likely benign. Review status: criteria provided, multiple submitters, no conflicts (2 of 4 stars). 3 submissions from 3 submitters: Likely benign (3). Last evaluated 2024-02-23.

Conditions:
Neurofibromatosis, type 1 (NF1). Also called: NEUROFIBROMATOSIS, TYPE I, SOMATIC; Peripheral type neurofibromatosis; Neurofibromatosis, type I; VON RECKLINGHAUSEN DISEASE. Identifiers: Orphanet 636, MedGen C0027831, MONDO:0018975, OMIM 162200. Disease mechanism: loss of function.

Allele frequency attached by ClinVar (database versions not stated): gnomAD exomes below 0.00001 and 0.00001.
gnomAD v4.1: 12 of 1,613,978 alleles (0.00074%); highest among the groups gnomAD compares: Non-Finnish European, 0.001%; no homozygotes.

Submissions (3):

Labcorp Genetics (formerly Invitae), Labcorp
Classification: Likely benign for Neurofibromatosis, type 1. Last evaluated: 2024-02-23. Review status: criteria provided, single submitter. Criteria: Invitae Variant Classification Sherloc (09022015). Collection method: clinical testing. Allele origin: germline.

Genome-Nilou Lab
Classification: Likely benign for Neurofibromatosis, type 1. Last evaluated: 2022-03-15. Review status: criteria provided, single submitter. Criteria: ACMG Guidelines, 2015. Collection method: clinical testing. Allele origin: germline. Affected: no.

GeneDx
Classification: Likely benign. Last evaluated: 2018-02-19. Review status: criteria provided, single submitter. Criteria: GeneDx Variant Classification (06012015). Collection method: clinical testing. Allele origin: germline. Affected: yes.
Comment: This variant is considered likely benign or benign based on one or more of the following criteria: it is a conservative change, it occurs at a poorly conserved position in the protein, it is predicted to be benign by multiple in silico algorithms, and/or has population frequency not consistent with disease.